The following is an entry in ClinVar:

GRCh37/hg19 6p21.31-21.1(chr6:35562152-42003452)x1

Genes: BNIP5 (BCL2 interacting protein 5; minus strand), APOBEC2 (apolipoprotein B mRNA editing enzyme catalytic subunit 2; plus strand), ARMC12 (armadillo repeat containing 12; plus strand), BRPF3 (bromodomain and PHD finger containing 3; plus strand), BTBD9 (BTB domain containing 9; minus strand) and 64 more. Cytogenetic location: 6p21.31-21.1.
Variant type: copy number loss.
Change: copy number 1 (one copy instead of two) of chr6:35,562,152-42,003,452 (6.44 Mb, GRCh37 coordinates, 1-based), cytogenetic band 6p21.31-21.1.
Identifiers: ClinVar variation 2685202 (VCV002685202.1).

ClinVar aggregate classification (germline): Pathogenic (1 of 4 stars; one submission).

Submission:

Quest Diagnostics Nichols Institute San Juan Capistrano
Classification: Pathogenic. Last evaluated: 2022-10-21. Review status: criteria provided, single submitter. Criteria: ACMG/ClinGen CNV Guidelines, 2019. Collection method: clinical testing. Allele origin: unknown.
Comment: The copy number loss of 6p21.31p21.1 involves numerous protein-coding genes. Smaller deletions largely overlapping or contained within the current interval have been identified in individuals with variable phenotypes (Pillai 2019, Thevenon 2016). There are no similar copy number losses of this region in the general populations of the Database of Genomic Variants. Based on size and gene content, this copy number loss is classified as pathogenic. References: Pillai et al., Eur J Med Genet. 2019 Jun;62(6):103531. PMID: 30142436 Thevenon et al., Eur J Hum Genet. 2016 Jun;24(6):911-8. PMID: 26486473